The following is an entry in ClinVar:

NM_001197104.2(KMT2A):c.9595C>A (p.Leu3199Ile)

Gene: KMT2A (lysine methyltransferase 2A; plus strand). Cytogenetic location: 11q23.3.
Variant type: single nucleotide variant.
Coding change: c.9595C>A on transcript NM_001197104.2 (MANE Select); coding-DNA position 9595, C replaced by A.
Protein change: p.Leu3199Ile; replaces leucine 3199 with isoleucine.
Molecular consequence: missense variant.
Genome position (GRCh38, 1-based): chr11:118,505,487, C>A. VCF-style: chr11-118505487-C-A. GRCh37 (hg19) VCF-style: chr11-118376202-C-A.
Other names: c.9685C>A, p.Leu3229Ile (NM_001412597.1); c.9586C>A, p.Leu3196Ile (NM_005933.4); short protein forms L3229I, L3196I, L3199I.
Identifiers: ClinVar variation 3688481 (VCV003688481.2).

ClinVar aggregate classification (germline): Uncertain significance (1 of 4 stars; one submission).

Submission:

Labcorp Genetics (formerly Invitae), Labcorp
Classification: Uncertain significance. Last evaluated: 2025-01-10. Review status: criteria provided, single submitter. Criteria: Invitae Variant Classification Sherloc (09022015). Collection method: clinical testing. Allele origin: germline.
Comment: This sequence change replaces leucine, which is neutral and non-polar, with isoleucine, which is neutral and non-polar, at codon 3199 of the KMT2A protein (p.Leu3199Ile). This variant is not present in population databases (gnomAD no frequency). This variant has not been reported in the literature in individuals affected with KMT2A-related conditions. Invitae Evidence Modeling of protein sequence and biophysical properties (such as structural, functional, and spatial information, amino acid conservation, physicochemical variation, residue mobility, and thermodynamic stability) indicates that this missense variant is not expected to disrupt KMT2A protein function with a negative predictive value of 95%. In summary, the available evidence is currently insufficient to determine the role of this variant in disease. Therefore, it has been classified as a Variant of Uncertain Significance.